The following is an entry in ClinVar:

ClinVar aggregate classification (germline): Pathogenic (1 of 4 stars; one submission).

Conditions:
Neuromuscular disease caused by qualitative or quantitative defects of dystrophin. Also called: Qualitative or quantitative defects of dystrophin. Identifiers: Orphanet 207085, MedGen C5679787, MONDO:0016147.

Submission:

Women's Health and Genetics/Laboratory Corporation of America, LabCorp
Classification: Pathogenic for Neuromuscular disease caused by qualitative or quantitative defects of dystrophin. Last evaluated: 2025-12-30. Review status: criteria provided, single submitter. Criteria: LabCorp Variant Classification Summary - May 2015. Collection method: clinical testing. Allele origin: germline.
Comment: Variant summary: The variant involves the deletion of exons 18-30 in the DMD gene. A presumed nomenclature of c.(2168+1_2169-1)_(4233+1_4234-1)del has been designated for the purposes of this classification. This Copy Number Variant (CNV) is expected to alter the reading frame and predicted to result in a truncation or absence of the encoded protein due to nonsense mediated decay (NMD). Loss-of-function variants in this gene are known to be pathogenic. The variant was absent in 94645 control chromosomes in the gnomAD database (Structural Variants v2.1 dataset). The deletion of exons 18-30 has been observed in individuals affected with Dystrophinopathies (e.g. Wang_2017). These data indicate that the variant may be associated with disease. To our knowledge, no experimental evidence demonstrating an impact on protein function has been reported. The following publication have been ascertained in the context of this evaluation (PMID: 28181689). No submitters have cited clinical-significance assessments for this variant to ClinVar. Based on the evidence outlined above, the variant was classified as pathogenic.

Literature cited by the submitters: PubMed 28181689.

NC_000023.10:g.(32408299_32429868)_(32536249_32563275)del

Gene: DMD (dystrophin; minus strand). Cytogenetic location: Xp21.1.
Variant type: Deletion.
Identifiers: ClinVar variation 4688509 (VCV004688509.1).